The following is an entry in ClinVar:

ClinVar aggregate classification (germline): Pathogenic/Likely pathogenic. Review status: criteria provided, multiple submitters, no conflicts (2 of 4 stars). 2 submissions from 2 submitters: Pathogenic (1); Likely pathogenic (1). Last evaluated 2023-06-07.

Conditions:
Familial cancer of breast. Also called: BREAST CANCER, FAMILIAL; hereditary breast carcinoma; Hereditary breast cancer. Identifiers: Orphanet 227535, MedGen C0346153, MONDO:0016419, OMIM 114480. Disease mechanism: loss of function.
Fanconi anemia complementation group J. Also called: BRIP1-Related Fanconi Anemia. Identifiers: Orphanet 84, MedGen C1836860, MONDO:0012187, OMIM 609054.

Submissions (2):

Myriad Genetics, Inc.
Classification: Pathogenic for Familial cancer of breast. Last evaluated: 2023-06-07. Review status: criteria provided, single submitter. Criteria: Myriad Autosomal Dominant, Autosomal Recessive and X-Linked Classification Criteria (2023). Collection method: clinical testing. Allele origin: unknown.
Comment: This variant is considered pathogenic. This variant creates a frameshift predicted to result in premature protein truncation.

Revvity Omics, Revvity
Classification: Likely pathogenic for Fanconi anemia complementation group J. Last evaluated: 2021-02-03. Review status: criteria provided, single submitter. Criteria: ACMG Guidelines, 2015. Collection method: clinical testing. Allele origin: germline.

NM_032043.3(BRIP1):c.2714del (p.Asn905fs)

Gene: BRIP1 (BRCA1 interacting DNA helicase 1; minus strand). Cytogenetic location: 17q23.2.
Variant type: Deletion.
Coding change: c.2714del on transcript NM_032043.3 (MANE Select); coding-DNA position 2714, one base deleted (A; older notation c.2714delA).
Protein change: p.Asn905fs; shifts the reading frame from asparagine 905.
Molecular consequence: frameshift variant.
Genome position (GRCh38, 1-based): chr17:61,686,027, T deleted on the plus strand (A on the coding strand, the reverse complement: BRIP1 is on the minus strand); the first of 2 consecutive T bases (chr17:61,686,027-61,686,028); deleting either gives the same sequence. VCF-style (leftmost placement, unchanged base first): chr17-61686026-AT-A. GRCh37 (hg19) VCF-style: chr17-59763387-AT-A.
Other names: short protein forms N905fs.
Identifiers: ClinVar variation 1323982 (VCV001323982.6), dbSNP rs2144114210, ClinGen allele CA2573054529.